The following is an entry in ClinVar:

NM_000124.4(ERCC6):c.1499del (p.Pro500fs)

Gene: ERCC6 (ERCC excision repair 6, chromatin remodeling factor; minus strand). Cytogenetic location: 10q11.23.
Variant type: Deletion.
Coding change: c.1499del on transcript NM_000124.4 (MANE Select); coding-DNA position 1499, one base deleted (C; older notation c.1499delC).
Protein change: p.Pro500fs; shifts the reading frame from proline 500.
Molecular consequence: frameshift variant.
Genome position (GRCh38, 1-based): chr10:49,505,911, G deleted on the plus strand (C on the coding strand, the reverse complement: ERCC6 is on the minus strand); the first of 2 consecutive G bases (chr10:49,505,911-49,505,912); deleting either gives the same sequence. VCF-style (leftmost placement, unchanged base first): chr10-49505910-TG-T. GRCh37 (hg19) VCF-style: chr10-50713956-TG-T.
Other names: c.1499del, p.Pro500fs (NM_001346440.2); short protein forms P500fs.
Identifiers: ClinVar variation 1071564 (VCV001071564.9), dbSNP rs2132582100, ClinGen allele CA2499220254.

ClinVar aggregate classification (germline): Pathogenic (1 of 4 stars; one submission).

Submission:

Labcorp Genetics (formerly Invitae), Labcorp
Classification: Pathogenic. Last evaluated: 2023-04-07. Review status: criteria provided, single submitter. Criteria: Invitae Variant Classification Sherloc (09022015). Collection method: clinical testing. Allele origin: germline.
Comment: For these reasons, this variant has been classified as Pathogenic. ClinVar contains an entry for this variant (Variation ID: 1071564). This premature translational stop signal has been observed in individual(s) with Cockayne syndrome (PMID: 19894250). This variant is not present in population databases (gnomAD no frequency). This sequence change creates a premature translational stop signal (p.Pro500Glnfs*43) in the ERCC6 gene. It is expected to result in an absent or disrupted protein product. Loss-of-function variants in ERCC6 are known to be pathogenic (PMID: 18628313, 29572252).

Literature cited by the submitters: PubMed 19894250; PubMed 18628313; PubMed 29572252.